The following is an entry in ClinVar:

NC_000017.11:g.(43099881_43104121)_(43125484_?)del

Gene: BRCA1 (BRCA1 DNA repair associated; minus strand). Cytogenetic location: 17q21.31.
Variant type: Deletion.
Identifiers: ClinVar variation 981996 (VCV000981996.1).

ClinVar aggregate classification (germline): Pathogenic (1 of 4 stars; one submission).

Conditions:
Hereditary breast ovarian cancer syndrome. Also called: Hereditary breast and ovarian cancer syndrome; Hereditary breast and/or ovarian cancer syndrome; Hereditary breast and ovarian cancer syndrome (HBOC); Hereditary breast and ovarian cancer; Breast and ovarian cancer; BRCA1- and BRCA2-Associated Hereditary Breast and Ovarian Cancer. Identifiers: Orphanet 145, MedGen C0677776, MeSH D061325, MONDO:0003582. Disease mechanism: loss of function.

Submission:

Women's Health and Genetics/Laboratory Corporation of America, LabCorp
Classification: Pathogenic for Hereditary breast and ovarian cancer syndrome. Last evaluated: 2019-07-08. Review status: criteria provided, single submitter. Criteria: LabCorp Variant Classification Summary - May 2015. Collection method: clinical testing. Allele origin: germline.
Comment: Variant summary: The variant identified by MLPA involves deletion of exons 1-6 of the BRCA1 gene. A presumed nomencalture of c.(?_-233)_(441+1_442-1)del has been designated for the purpose of classification. The frequency of this variant in the general population could not be determined as the technology used for large population databases (ExAC, gnomAD, ESP, 1000G) cannot detect variants of this type. The variant c.(?_-233)_(441+1_442-1)del has been reported in the literature in multiple individuals affected with breast cancer or with a family history of breast and ovarian cancers (Engert_2008, Arnold_2014, Rebbeck_2018). These data indicate that the variant is very likely to be associated with disease. To our knowledge, no experimental evidence demonstrating an impact on protein function has been reported. A ClinVar submission (evaluation after 2014) cites the variant as pathogenic. Based on the evidence outlined above, the variant was classified as pathogenic.

Literature cited by the submitters: PubMed 18431737; PubMed 24825132; PubMed 29446198.